The following is an entry in ClinVar:

ClinVar aggregate classification (germline): Uncertain significance (1 of 4 stars; one submission).

Conditions:
Inborn genetic diseases. Identifiers: MedGen C0950123, MeSH D030342.

Submission:

Ambry Genetics
Classification: Uncertain significance for Inborn genetic diseases. Last evaluated: 2026-04-25. Review status: criteria provided, single submitter. Criteria: Ambry Variant Classification Scheme 2023. Collection method: clinical testing. Allele origin: germline.
Comment: The p.W146C variant (also known as c.438G>C), located in coding exon 1 of the WT1 gene, results from a G to C substitution at nucleotide position 438. The tryptophan at codon 146 is replaced by cysteine, an amino acid with highly dissimilar properties. This amino acid position is conserved. In addition, the in silico prediction for this alteration is inconclusive. Based on the available evidence, the clinical significance of this variant remains unclear.

NM_024426.6(WT1):c.453G>C (p.Trp151Cys)

Genes: WT1 (WT1 transcription factor; minus strand), LOC107982234 (WT1/WT1-AS bi-directional promoter region; plus strand). Cytogenetic location: 11p13.
Variant type: single nucleotide variant.
Coding change: c.453G>C on transcript NM_024426.6 (MANE Select); coding-DNA position 453, G replaced by C.
Protein change: p.Trp151Cys; replaces tryptophan 151 with cysteine.
Molecular consequence: missense variant. On other transcripts: non-coding transcript variant (2).
Genome position (GRCh38, 1-based): chr11:32,434,908, C>G on the plus strand (G>C on the coding strand, the complement: WT1 is on the minus strand). VCF-style: chr11-32434908-C-G. GRCh37 (hg19) VCF-style: chr11-32456454-C-G.
Other names: c.453G>C, p.Trp151Cys (NM_000378.6, NM_001407044.1, NM_001407045.1 and 6 more transcripts); c.234G>C, p.Trp78Cys (NM_001429031.1, NM_001429032.1, NM_001429033.1 and 1 more transcripts); short protein forms W146C, W151C, W78C.
Identifiers: ClinVar variation 4866804 (VCV004866804.1).